The following is an entry in ClinVar:

ClinVar aggregate classification (germline): Uncertain significance (1 of 4 stars; one submission).

Submission:

Labcorp Genetics (formerly Invitae), Labcorp
Classification: Uncertain significance. Last evaluated: 2024-01-22. Review status: criteria provided, single submitter. Criteria: Invitae Variant Classification Sherloc (09022015). Collection method: clinical testing. Allele origin: germline.
Comment: This sequence change replaces serine, which is neutral and polar, with arginine, which is basic and polar, at codon 232 of the KANK2 protein (p.Ser232Arg). This variant is not present in population databases (gnomAD no frequency). This variant has not been reported in the literature in individuals affected with KANK2-related conditions. ClinVar contains an entry for this variant (Variation ID: 1909617). An algorithm developed to predict the effect of missense changes on protein structure and function (PolyPhen-2) suggests that this variant is likely to be disruptive. In summary, the available evidence is currently insufficient to determine the role of this variant in disease. Therefore, it has been classified as a Variant of Uncertain Significance.

NM_001136191.3(KANK2):c.696C>G (p.Ser232Arg)

Gene: KANK2 (KN motif and ankyrin repeat domains 2; minus strand). Cytogenetic location: 19p13.2.
Variant type: single nucleotide variant.
Coding change: c.696C>G on transcript NM_001136191.3 (MANE Select); coding-DNA position 696, C replaced by G.
Protein change: p.Ser232Arg; replaces serine 232 with arginine.
Molecular consequence: missense variant.
Genome position (GRCh38, 1-based): chr19:11,193,384, G>C on the plus strand (C>G on the coding strand, the complement: KANK2 is on the minus strand). VCF-style: chr19-11193384-G-C. GRCh37 (hg19) VCF-style: chr19-11304060-G-C.
Other names: c.696C>G, p.Ser232Arg (NM_001329451.2, NM_001379548.1, NM_001379549.1 and 15 more transcripts); short protein forms S232R.
Identifiers: ClinVar variation 1909617 (VCV001909617.5), dbSNP rs2512825549, ClinGen allele CA404088436.